The following is an entry in ClinVar:

NM_021978.4(ST14):c.1753C>G (p.Pro585Ala)

Gene: ST14 (ST14 transmembrane serine protease matriptase; plus strand). Cytogenetic location: 11q24.3.
Variant type: single nucleotide variant.
Coding change: c.1753C>G on transcript NM_021978.4 (MANE Select); coding-DNA position 1753, C replaced by G.
Protein change: p.Pro585Ala; replaces proline 585 with alanine.
Molecular consequence: missense variant.
Genome position (GRCh38, 1-based): chr11:130,199,015, C>G. VCF-style: chr11-130199015-C-G. GRCh37 (hg19) VCF-style: chr11-130068910-C-G.
Other names: short protein forms P585A.
Identifiers: ClinVar variation 1217517 (VCV001217517.3), dbSNP rs946355002, ClinGen allele CA383318012.

ClinVar aggregate classification (germline): Uncertain significance (1 of 4 stars; one submission).

Submission:

GeneDx
Classification: Uncertain significance. Last evaluated: 2021-04-17. Review status: criteria provided, single submitter. Criteria: GeneDx Variant Classification Process June 2021. Collection method: clinical testing. Allele origin: germline. Affected: yes.
Comment: Not observed in large population cohorts (Lek et al., 2016); In silico analyses, including protein predictors and evolutionary conservation, support a deleterious effect; Has not been previously published as pathogenic or benign to our knowledge